The following is an entry in ClinVar:

ClinVar aggregate classification (germline): Likely pathogenic (1 of 4 stars; one submission).

Submission:

GeneDx
Classification: Likely pathogenic. Last evaluated: 2022-02-28. Review status: criteria provided, single submitter. Criteria: GeneDx Variant Classification Process June 2021. Collection method: clinical testing. Allele origin: germline. Affected: yes.
Comment: Frameshift variant predicted to result in protein truncation or nonsense mediated decay in a gene for which loss-of-function is a known mechanism of disease; Not observed at a significant frequency in large population cohorts (gnomAD); Has not been previously published as pathogenic or benign to our knowledge

NM_001375405.1(CEP120):c.109_110dup (p.Gln38fs)

Gene: CEP120 (centrosomal protein 120; minus strand). Cytogenetic location: 5q23.2.
Variant type: Microsatellite.
Coding change: c.109_110dup on transcript NM_001375405.1 (MANE Select); coding-DNA positions 109 to 110, 2 bases duplicated (GA; older notation c.109_110dupGA).
Protein change: p.Gln38fs; shifts the reading frame from glutamine 38.
Molecular consequence: frameshift variant. On other transcripts: 5 prime UTR variant (2), non-coding transcript variant (1).
Genome position (GRCh38, 1-based): chr5:123,418,455-123,418,456, TC duplicated on the plus strand (GA on the coding strand, the reverse complement: CEP120 is on the minus strand); duplicating any 2 consecutive bases within chr5:123,418,455-123,418,458 gives the same sequence; the c. name uses the placement nearest the transcript's 3' end. VCF-style (leftmost placement, unchanged base first): chr5-123418454-T-TTC. GRCh37 (hg19) VCF-style: chr5-122754148-T-TTC.
Other names: c.31_32dup, p.Gln12fs (NM_001166226.2); c.109_110dup, p.Gln38fs (NM_001375406.1, NM_001375407.1, NM_153223.4); c.-642GA[3] (NM_001375408.1); c.-584GA[3] (NM_001375409.1); short protein forms Q12fs, Q38fs.
Identifiers: ClinVar variation 1343834 (VCV001343834.2), dbSNP rs1195825877, ClinGen allele CA562328786.